The following is an entry in ClinVar:

ClinVar aggregate classification (germline): Uncertain significance (1 of 4 stars; one submission).

Conditions:
Metachromatic leukodystrophy (MLD). Also called: METACHROMATIC LEUKOENCEPHALOPATHY; SULFATIDE LIPIDOSIS; ARSA DEFICIENCY; CEREBROSIDE SULFATASE DEFICIENCY; Cerebral sclerosis diffuse metachromatic form; Arylsulfatase A Deficiency. Identifiers: Orphanet 512, MedGen C0023522, MONDO:0018868, OMIM 250100.

Submission:

Labcorp Genetics (formerly Invitae), Labcorp
Classification: Uncertain significance for Metachromatic leukodystrophy. Last evaluated: 2022-07-17. Review status: criteria provided, single submitter. Criteria: Invitae Variant Classification Sherloc (09022015). Collection method: clinical testing. Allele origin: germline.
Comment: This sequence change replaces valine, which is neutral and non-polar, with alanine, which is neutral and non-polar, at codon 479 of the ARSA protein (p.Val479Ala). This variant is not present in population databases (gnomAD no frequency). This variant has not been reported in the literature in individuals affected with ARSA-related conditions. Algorithms developed to predict the effect of missense changes on protein structure and function (SIFT, PolyPhen-2, Align-GVGD) all suggest that this variant is likely to be tolerated. In summary, the available evidence is currently insufficient to determine the role of this variant in disease. Therefore, it has been classified as a Variant of Uncertain Significance.

NM_000487.6(ARSA):c.1436T>C (p.Val479Ala)

Gene: ARSA (arylsulfatase A; minus strand). Cytogenetic location: 22q13.33.
Variant type: single nucleotide variant.
Coding change: c.1436T>C on transcript NM_000487.6 (MANE Select); coding-DNA position 1436, T replaced by C.
Protein change: p.Val479Ala; replaces valine 479 with alanine.
Molecular consequence: missense variant.
Genome position (GRCh38, 1-based): chr22:50,625,239, A>G on the plus strand (T>C on the coding strand, the complement: ARSA is on the minus strand). VCF-style: chr22-50625239-A-G. GRCh37 (hg19) VCF-style: chr22-51063667-A-G.
Other names: c.1436T>C, p.Val479Ala (NM_001085425.3, NM_001085426.3, NM_001085427.3); c.1178T>C, p.Val393Ala (NM_001085428.3, NM_001362782.2); short protein forms V393A, V479A.
Identifiers: ClinVar variation 2040058 (VCV002040058.4), dbSNP rs2518321445, ClinGen allele CA412167507.